The following is an entry in ClinVar:

ClinVar aggregate classification (germline): Benign/Likely benign. Review status: criteria provided, multiple submitters, no conflicts (2 of 4 stars). 7 submissions from 5 submitters: Benign (1); Likely benign (6). Last evaluated 2025-03-07.

Conditions:
PRPS1-related disorder. Also called: PRPS1-related condition.
Charcot-Marie-Tooth Neuropathy X. Identifiers: MedGen CN118851.
Arts syndrome (ARTS). Also called: ARTS SYNDROME AND PHOSPHORIBOSYLPYROPHOSPHATE SYNTHETASE SUPERACTIVITY; MENTAL RETARDATION, X-LINKED, SYNDROMIC 18; MENTAL RETARDATION, X-LINKED, SYNDROMIC, ARTS TYPE. Identifiers: Orphanet 1187, MedGen C0796028, MONDO:0010533, OMIM 301835.
Hearing loss, X-linked 1 (DFNX1). Also called: DFNX1 Nonsyndromic Sensorineural Hearing Loss (DFN2); DEAFNESS, X-LINKED 1; DFNX1 Nonsyndromic Hearing Loss and Deafness; DEAFNESS, X-LINKED 2, SENSORINEURAL CONGENITAL. Identifiers: Orphanet 90625, MedGen C1844677, MONDO:0010577, OMIM 304500.
Phosphoribosylpyrophosphate synthetase superactivity. Identifiers: Orphanet 3222, MedGen C1970827, MONDO:0010395, OMIM 300661.
Nephrolithiasis/nephrocalcinosis. Identifiers: MedGen CN580796.

Allele frequency attached by ClinVar (database versions not stated): gnomAD 0.00003 and 0.00005; TOPMed 0.00004; gnomAD exomes 0.00005 and 0.00011; ExAC 0.00014; 1000 Genomes Project 30x 0.00021; 1000 Genomes Project 0.00026.
gnomAD v4.1: 54 of 1,210,210 alleles (0.0045%); highest among the groups gnomAD compares: East Asian, 0.16%; no homozygotes.

Submissions (7):

PreventionGenetics, part of Exact Sciences
Classification: Likely benign for PRPS1-related condition. Last evaluated: 2025-03-07. Review status: criteria provided, single submitter. Criteria: ACMG Guidelines, 2015. Collection method: clinical testing. Allele origin: germline.
Comment: This variant is classified as likely benign based on ACMG/AMP sequence variant interpretation guidelines (Richards et al. 2015 PMID: 25741868, with internal and published modifications).

Labcorp Genetics (formerly Invitae), Labcorp
Classification: Benign for Charcot-Marie-Tooth Neuropathy X. Last evaluated: 2024-09-06. Review status: criteria provided, single submitter. Criteria: Invitae Variant Classification Sherloc (09022015). Collection method: clinical testing. Allele origin: germline.

Blueprint Genetics
Classification: Likely benign. Last evaluated: 2022-06-03. Review status: criteria provided, single submitter. Criteria: ACMG Guidelines, 2015. Collection method: clinical testing. Allele origin: germline.

Ambry Genetics
Classification: Likely benign for Nephrolithiasis/nephrocalcinosis. Last evaluated: 2019-07-11. Review status: criteria provided, single submitter. Criteria: Ambry Variant Classification Scheme 2023. Collection method: clinical testing. Allele origin: germline.

Illumina Laboratory Services, Illumina
Classification: Likely benign for Arts syndrome. Last evaluated: 2017-04-27. Review status: criteria provided, single submitter. Criteria: ICSL Variant Classification Criteria 13 December 2019. Collection method: clinical testing. Allele origin: germline.
Comment: This variant was observed as part of a predisposition screen in an ostensibly healthy population. A literature search was performed for the gene, cDNA change, and amino acid change (where applicable). No publications were found based on this search. Allele frequency data from public databases allowed determination this variant is unlikely to cause disease. Therefore, this variant is classified as likely benign.

Illumina Laboratory Services, Illumina
Classification: Likely benign for Phosphoribosylpyrophosphate synthetase superactivity. Last evaluated: 2017-04-27. Review status: criteria provided, single submitter. Criteria: ICSL Variant Classification Criteria 13 December 2019. Collection method: clinical testing. Allele origin: germline.
Comment: the same text as in the submission from Illumina Laboratory Services, Illumina above.

Illumina Laboratory Services, Illumina
Classification: Likely benign for Hearing loss, X-linked 1. Last evaluated: 2017-04-27. Review status: criteria provided, single submitter. Criteria: ICSL Variant Classification Criteria 13 December 2019. Collection method: clinical testing. Allele origin: germline.
Comment: the same text as in the submission from Illumina Laboratory Services, Illumina above.

NM_002764.4(PRPS1):c.444G>A (p.Glu148=)

Gene: PRPS1 (phosphoribosyl pyrophosphate synthetase 1; plus strand). Cytogenetic location: Xq22.3.
Variant type: single nucleotide variant.
Coding change: c.444G>A on transcript NM_002764.4 (MANE Select); coding-DNA position 444, G replaced by A.
Protein change: p.Glu148=; no amino-acid change (glutamic acid 148 retained).
Molecular consequence: synonymous variant. On other transcripts: intron variant (1).
Genome position (GRCh38, 1-based): chrX:107,642,404, G>A. VCF-style: chrX-107642404-G-A. GRCh37 (hg19) VCF-style: chrX-106885634-G-A.
Other names: c.-82-2773G>A (NM_001204402.2).
Identifiers: ClinVar variation 367702 (VCV000367702.20), dbSNP rs201285459, ClinGen allele CA10485638.